The following is an entry in ClinVar:

ClinVar aggregate classification (germline): Benign. Review status: criteria provided, multiple submitters, no conflicts (2 of 4 stars). 4 submissions from 4 submitters: Benign (3). 1 of the submissions does not count toward it. Last evaluated 2026-02-02.

Conditions:
PEPD-related disorder. Also called: PEPD-related condition.

Allele frequency attached by ClinVar (database versions not stated): gnomAD exomes 0.00324; ExAC 0.00449; ESP Exome Variant Server 0.01257; gnomAD 0.01275 and 0.01362; TOPMed 0.01404; 1000 Genomes Project 0.01538; 1000 Genomes Project 30x 0.01655.
gnomAD v4.1: 3,966 of 1,609,342 alleles (0.25%); highest among the groups gnomAD compares: African/African-American, 4.6%; 73 homozygotes.

Submissions (4):

Labcorp Genetics (formerly Invitae), Labcorp
Classification: Benign. Last evaluated: 2026-02-02. Review status: criteria provided, single submitter. Criteria: Invitae Variant Classification Sherloc (09022015). Collection method: clinical testing. Allele origin: germline.

Mayo Clinic Laboratories, Mayo Clinic
Classification: Benign. Last evaluated: 2025-06-10. Review status: criteria provided, single submitter. Criteria: ACMG Guidelines, 2015. Collection method: clinical testing. Allele origin: germline. Observed: 15 variant alleles.
Comment: BS1, BS2

Breakthrough Genomics
Classification: Benign. Review status: criteria provided, single submitter. Criteria: ACMG Guidelines, 2015. Collection method: not provided. Allele origin: germline. Inheritance: Autosomal recessive inheritance. Affected: yes.

PreventionGenetics, part of Exact Sciences
Classification: Benign for PEPD-related condition. Last evaluated: 2019-07-11. Review status: no assertion criteria provided. Collection method: clinical testing. Allele origin: germline. Not counted in ClinVar's aggregate classification.
Comment: This variant is classified as benign based on ACMG/AMP sequence variant interpretation guidelines (Richards et al. 2015 PMID: 25741868, with internal and published modifications).

NM_000285.4(PEPD):c.509A>T (p.Glu170Val)

Gene: PEPD (peptidase D; minus strand). Cytogenetic location: 19q13.11.
Variant type: single nucleotide variant.
Coding change: c.509A>T on transcript NM_000285.4 (MANE Select); coding-DNA position 509, A replaced by T.
Protein change: p.Glu170Val; replaces glutamic acid 170 with valine.
Molecular consequence: missense variant.
Genome position (GRCh38, 1-based): chr19:33,478,085, T>A on the plus strand (A>T on the coding strand, the complement: PEPD is on the minus strand). VCF-style: chr19-33478085-T-A. GRCh37 (hg19) VCF-style: chr19-33968991-T-A.
Other names: p.Glu170Val; c.509A>T, p.Glu170Val (NM_001166056.2); c.317A>T, p.Glu106Val (NM_001166057.2); short protein forms E106V, E170V.
Identifiers: ClinVar variation 791721 (VCV000791721.15), dbSNP rs61748998, ClinGen allele CA9364268.